The following is an entry in ClinVar:

NM_001015877.2(PHF6):c.234G>A (p.Thr78=)

Gene: PHF6 (PHD finger protein 6; plus strand). Cytogenetic location: Xq26.2.
Variant type: single nucleotide variant.
Coding change: c.234G>A on transcript NM_001015877.2 (MANE Select); coding-DNA position 234, G replaced by A.
Protein change: p.Thr78=; no amino-acid change (threonine 78 retained).
Molecular consequence: synonymous variant.
Genome position (GRCh38, 1-based): chrX:134,378,100, G>A. VCF-style: chrX-134378100-G-A. GRCh37 (hg19) VCF-style: chrX-133512130-G-A.
Other names: c.234G>A, p.Thr78= (NM_032335.3, NM_032458.3); c.234G>A (NM_032458.2).
Identifiers: ClinVar variation 2848186 (VCV002848186.5), dbSNP rs1160852520, ClinGen allele CA518648337.

ClinVar aggregate classification (germline): Conflicting classifications of pathogenicity. Review status: criteria provided, conflicting classifications (1 of 4 stars). 3 submissions from 3 submitters: Uncertain significance (1); Likely benign (2). Last evaluated 2025-02-14.

Conditions:
PHF6-related disorder. Also called: PHF6-related condition.
Borjeson-Forssman-Lehmann syndrome (BFLS). Also called: MENTAL RETARDATION, X-LINKED, SYNDROMIC, BORJESON-FORSSMAN-LEHMANN TYPE; MENTAL RETARDATION, EPILEPSY, AND ENDOCRINE DISORDERS; BORJESON SYNDROME. Identifiers: Orphanet 127, MedGen C0265339, MONDO:0010537, OMIM 301900.

Allele frequency attached by ClinVar (database versions not stated): gnomAD exomes 0.00001; TOPMed 0.00001.
gnomAD v4.1: 11 of 1,173,093 alleles (0.00094%); highest among the groups gnomAD compares: African/African-American, 0.0035%; no homozygotes.

Submissions (3):

PreventionGenetics, part of Exact Sciences
Classification: Likely benign for PHF6-related condition. Last evaluated: 2025-02-14. Review status: criteria provided, single submitter. Criteria: ACMG Guidelines, 2015. Collection method: clinical testing. Allele origin: germline.
Comment: This variant is classified as likely benign based on ACMG/AMP sequence variant interpretation guidelines (Richards et al. 2015 PMID: 25741868, with internal and published modifications).

Labcorp Genetics (formerly Invitae), Labcorp
Classification: Likely benign for Borjeson-Forssman-Lehmann syndrome. Last evaluated: 2024-03-24. Review status: criteria provided, single submitter. Criteria: Invitae Variant Classification Sherloc (09022015). Collection method: clinical testing. Allele origin: germline.

Blueprint Genetics
Classification: Uncertain significance. Last evaluated: 2021-07-30. Review status: criteria provided, single submitter. Criteria: ACMG Guidelines, 2015. Collection method: clinical testing. Allele origin: germline.